The following is an entry in ClinVar:

NM_000263.4(NAGLU):c.542C>A (p.Ala181Asp)

Gene: NAGLU (N-acetyl-alpha-glucosaminidase; plus strand). Cytogenetic location: 17q21.2.
Variant type: single nucleotide variant.
Coding change: c.542C>A on transcript NM_000263.4 (MANE Select); coding-DNA position 542, C replaced by A.
Protein change: p.Ala181Asp; replaces alanine 181 with aspartic acid.
Molecular consequence: missense variant.
Genome position (GRCh38, 1-based): chr17:42,538,349, C>A. VCF-style: chr17-42538349-C-A. GRCh37 (hg19) VCF-style: chr17-40690367-C-A.
Other names: c.542C>A (NM_000263.3); short protein forms A181D.
Identifiers: ClinVar variation 1589248 (VCV001589248.9), dbSNP rs149859697, ClinGen allele CA8576794.

ClinVar aggregate classification (germline): Conflicting classifications of pathogenicity. Review status: criteria provided, conflicting classifications (1 of 4 stars). 2 submissions from 2 submitters: Uncertain significance (1); Likely benign (1). Last evaluated 2026-01-19.

Conditions:
Charcot-Marie-Tooth disease axonal type 2V. Also called: CHARCOT-MARIE-TOOTH NEUROPATHY, TYPE 2V; CHARCOT-MARIE-TOOTH DISEASE, AXONAL, AUTOSOMAL DOMINANT, TYPE 2V. Identifiers: Orphanet 447964, MedGen C5569050, MONDO:0014665, OMIM 616491.
Mucopolysaccharidosis, MPS-III-B (MPS3B). Also called: Mucopolysaccharidosis type IIIB (Sanfilippo B); MUCOPOLYSACCHARIDOSIS, TYPE IIIB; N-ACETYL-ALPHA-D-GLUCOSAMINIDASE DEFICIENCY; NAGLU DEFICIENCY; SANFILIPPO SYNDROME B; MPS III B. Identifiers: Orphanet 79270, MedGen C0086648, MONDO:0009656, OMIM 252920.
NAGLU-related disorder. Also called: NAGLU-related condition.

Allele frequency attached by ClinVar (database versions not stated): TOPMed 0.00002; gnomAD exomes 0.00004; ExAC 0.00005; ESP Exome Variant Server 0.00008; gnomAD 0.00004.
gnomAD v4.1: 39 of 1,614,150 alleles (0.0024%); highest among the groups gnomAD compares: Non-Finnish European, 0.00068%; no homozygotes.

Submissions (2):

Labcorp Genetics (formerly Invitae), Labcorp
Classification: Likely benign for Charcot-Marie-Tooth disease axonal type 2V; Mucopolysaccharidosis, MPS-III-B. Last evaluated: 2026-01-19. Review status: criteria provided, single submitter. Criteria: Invitae Variant Classification Sherloc (09022015). Collection method: clinical testing. Allele origin: germline.

PreventionGenetics, part of Exact Sciences
Classification: Uncertain significance for NAGLU-related condition. Last evaluated: 2025-06-18. Review status: criteria provided, single submitter. Criteria: ACMG Guidelines, 2015. Collection method: clinical testing. Allele origin: germline.
Comment: The NAGLU c.542C>A variant is predicted to result in the amino acid substitution p.Ala181Asp. To our knowledge, this variant has not been reported in the literature. This variant is reported in 0.089% of alleles in individuals of Ashkenazi Jewish descent in gnomAD. Although we suspect that this variant may be benign, at this time, the clinical significance of this variant is uncertain due to the absence of conclusive functional and genetic evidence.